The following is an entry in ClinVar:

ClinVar aggregate classification (germline): Uncertain significance (1 of 4 stars; one submission).

Conditions:
Atypical hemolytic-uremic syndrome. Identifiers: Orphanet 2134, MedGen C2931788, MONDO:0016244.

Submission:

Genomenon, Inc
Classification: Uncertain significance for Atypical hemolytic-uremic syndrome. Last evaluated: 2025-10-02. Review status: criteria provided, single submitter. Criteria: Genomenon Sequence Variant Interpretation Standards - Updated. Collection method: curation. Allele origin: germline. Affected: yes.
Comment: CFH p.Tyr112Cys (c.335A>G) is a missense variant that changes the amino acid at residue 112 from Tyrosine to Cysteine. This variant has been observed in at least one proband affected with atypical hemolytic-uremic syndrome (PMID:30046676). It is absent or not present at a significant frequency in gnomAD. In silico models agree that this variant is possibly or probably damaging. In conclusion, we classify CFH p.Tyr112Cys (c.335A>G) as a variant of uncertain significance.

Literature cited by the submitters: PubMed 30046676.

NM_000186.4(CFH):c.335A>G (p.Tyr112Cys)

Gene: CFH (complement factor H; plus strand). Cytogenetic location: 1q31.3.
Variant type: single nucleotide variant.
Coding change: c.335A>G on transcript NM_000186.4 (MANE Select); coding-DNA position 335, A replaced by G.
Protein change: p.Tyr112Cys; replaces tyrosine 112 with cysteine.
Molecular consequence: missense variant.
Genome position (GRCh38, 1-based): chr1:196,673,947, A>G. VCF-style: chr1-196673947-A-G. GRCh37 (hg19) VCF-style: chr1-196643077-A-G.
Other names: c.335A>G, p.Tyr112Cys (NM_001014975.3); short protein forms Y112C.
Identifiers: ClinVar variation 4291645 (VCV004291645.1).